The following is an entry in ClinVar:

ClinVar aggregate classification (germline): Uncertain significance (1 of 4 stars; one submission).

Conditions:
Neurofibromatosis, type 1 (NF1). Also called: VON RECKLINGHAUSEN DISEASE; NEUROFIBROMATOSIS, TYPE I, SOMATIC; Neurofibromatosis, type I; Peripheral type neurofibromatosis. Identifiers: Orphanet 636, MedGen C0027831, MONDO:0018975, OMIM 162200. Disease mechanism: loss of function.

Submission:

Labcorp Genetics (formerly Invitae), Labcorp
Classification: Uncertain significance for Neurofibromatosis, type 1. Last evaluated: 2024-01-28. Review status: criteria provided, single submitter. Criteria: Invitae Variant Classification Sherloc (09022015). Collection method: clinical testing. Allele origin: germline.
Comment: This sequence change replaces leucine, which is neutral and non-polar, with proline, which is neutral and non-polar, at codon 1153 of the NF1 protein (p.Leu1153Pro). This variant is not present in population databases (gnomAD no frequency). This variant has not been reported in the literature in individuals affected with NF1-related conditions. Advanced modeling of protein sequence and biophysical properties (such as structural, functional, and spatial information, amino acid conservation, physicochemical variation, residue mobility, and thermodynamic stability) performed at Invitae indicates that this missense variant is expected to disrupt NF1 protein function with a positive predictive value of 80%. In summary, the available evidence is currently insufficient to determine the role of this variant in disease. Therefore, it has been classified as a Variant of Uncertain Significance.

NM_001042492.3(NF1):c.3458T>C (p.Leu1153Pro)

Gene: NF1 (neurofibromin 1; plus strand). Cytogenetic location: 17q11.2.
Variant type: single nucleotide variant.
Coding change: c.3458T>C on transcript NM_001042492.3 (MANE Select); coding-DNA position 3458, T replaced by C.
Protein change: p.Leu1153Pro; replaces leucine 1153 with proline.
Molecular consequence: missense variant.
Genome position (GRCh38, 1-based): chr17:31,232,843, T>C. VCF-style: chr17-31232843-T-C. GRCh37 (hg19) VCF-style: chr17-29559861-T-C.
Other names: c.3458T>C, p.Leu1153Pro (NM_000267.4); short protein forms L1153P.
Identifiers: ClinVar variation 2828972 (VCV002828972.3), dbSNP rs2151434784, ClinGen allele CA398989354.